The following is an entry in ClinVar:

NM_024675.4(PALB2):c.3283A>T (p.Ile1095Phe)

Gene: PALB2 (partner and localizer of BRCA2; minus strand). Cytogenetic location: 16p12.2.
Variant type: single nucleotide variant.
Coding change: c.3283A>T on transcript NM_024675.4 (MANE Select); coding-DNA position 3283, A replaced by T.
Protein change: p.Ile1095Phe; replaces isoleucine 1095 with phenylalanine.
Molecular consequence: missense variant. On other transcripts: intron variant (8).
Genome position (GRCh38, 1-based): chr16:23,607,931, T>A on the plus strand (A>T on the coding strand, the complement: PALB2 is on the minus strand). VCF-style: chr16-23607931-T-A. GRCh37 (hg19) VCF-style: chr16-23619252-T-A.
Other names: c.3211A>T, p.Ile1071Phe (NM_001407297.1); c.3223A>T, p.Ile1075Phe (NM_001407296.1); c.3121A>T, p.Ile1041Phe (NM_001407298.1); c.3004A>T, p.Ile1002Phe (NM_001407300.1); c.2398A>T, p.Ile800Phe (NM_001407304.1, NM_001407305.1, NM_001407306.1); c.2236A>T, p.Ile746Phe (NM_001407307.1); c.1495A>T, p.Ile499Phe (NM_001407312.1); c.817A>T, p.Ile273Phe (NM_001407314.1); and 6 more; short protein forms I1041F, I746F, I1071F, I1075F, I800F, I1095F, I1002F, I273F.
Identifiers: ClinVar variation 4663816 (VCV004663816.1).
Genomic context (GRCh38, chr16:23,607,931, plus strand): 5'-CCTGCCCTGGAGGAAGACAGTACAGCATCACACCCACGCTGAGAGTCGTCTTAGGGTTAA[T>A]CACAATGAGCTGAAACACAGGGCTTCGCAACGACTCACTCTCTTTGGCACAGGGATGACT-3'
Protein context (NP_078951.2, residues 1085-1105): LRSPVFQLIV[Ile1095Phe]NPKTTLSVGV

ClinVar aggregate classification (germline): Uncertain significance (1 of 4 stars; one submission).

Conditions:
Hereditary cancer-predisposing syndrome. Also called: Neoplastic Syndromes, Hereditary; Tumor predisposition; Hereditary Cancer Syndrome; Hereditary neoplastic syndrome. Identifiers: Orphanet 140162, MedGen C0027672, MeSH D009386, MONDO:0015356.

Submission:

Ambry Genetics
Classification: Uncertain significance for Hereditary cancer-predisposing syndrome. Last evaluated: 2025-10-15. Review status: criteria provided, single submitter. Criteria: Ambry Variant Classification Scheme 2023. Collection method: clinical testing. Allele origin: germline.
Comment: The p.I1095F variant (also known as c.3283A>T), located in coding exon 12 of the PALB2 gene, results from an A to T substitution at nucleotide position 3283. The isoleucine at codon 1095 is replaced by phenylalanine, an amino acid with highly similar properties. This amino acid position is conserved. In addition, this alteration is predicted to be tolerated by in silico analysis. Based on the available evidence, the clinical significance of this variant remains unclear.